The following is an entry in ClinVar:

NM_000352.6(ABCC8):c.2075G>A (p.Gly692Glu)

Gene: ABCC8 (ATP binding cassette subfamily C member 8; minus strand). Cytogenetic location: 11p15.1.
Variant type: single nucleotide variant.
Coding change: c.2075G>A on transcript NM_000352.6 (MANE Select); coding-DNA position 2075, G replaced by A.
Protein change: p.Gly692Glu; replaces glycine 692 with glutamic acid.
Molecular consequence: missense variant. On other transcripts: non-coding transcript variant (1).
Genome position (GRCh38, 1-based): chr11:17,427,908, C>T on the plus strand (G>A on the coding strand, the complement: ABCC8 is on the minus strand). VCF-style: chr11-17427908-C-T. GRCh37 (hg19) VCF-style: chr11-17449455-C-T.
Other names: c.2075G>A, p.Gly692Glu (NM_001287174.3); c.2141G>A, p.Gly714Glu (NM_001351295.2); c.2072G>A, p.Gly691Glu (NM_001351296.2, NM_001351297.2); short protein forms G691E, G692E, G714E.
Identifiers: ClinVar variation 1304138 (VCV001304138.2), dbSNP rs2133535445, ClinGen allele CA379814845.

ClinVar aggregate classification (germline): Uncertain significance (1 of 4 stars; one submission).

Submission:

GeneDx
Classification: Uncertain significance. Last evaluated: 2019-11-05. Review status: criteria provided, single submitter. Criteria: GeneDx Variant Classification Process June 2021. Collection method: clinical testing. Allele origin: germline. Affected: yes.
Comment: Not observed in large population cohorts (Lek et al., 2016); In silico analysis, which includes protein predictors and evolutionary conservation, supports that this variant does not alter protein structure/function; Has not been previously published as pathogenic or benign to our knowledge